The following is an entry in ClinVar:

ClinVar aggregate classification (germline): Pathogenic/Likely pathogenic. Review status: criteria provided, multiple submitters, no conflicts (2 of 4 stars). 8 submissions from 8 submitters: Pathogenic (1); Likely pathogenic (6). 1 of the submissions does not count toward it. Last evaluated 2026-01-24.

Conditions:
Rare genetic deafness. Identifiers: Orphanet 96210, MedGen C5680250.
Ichthyosis, hystrix-like, with hearing loss. Also called: Hystrix-like ichthyosis with deafness. Identifiers: Orphanet 477, MedGen C1865234, MONDO:0011245.
Palmoplantar keratoderma-deafness syndrome. Also called: Keratoderma palmoplantar, with deafness; Palmoplantar keratoderma and sensorineural deafness; Hereditary palmoplantar keratoderma with deafness (subtype); Focal palmoplantar keratoderma with sensorineural deafness (subtype); Diffuse palmoplantar keratoderma with deafness (subtype). Identifiers: Orphanet 2202, MedGen C1835672, MONDO:0007852, OMIM 148350.
Knuckle pads, deafness AND leukonychia syndrome. Also called: Bart-Pumphrey syndrome. Identifiers: Orphanet 2698, MedGen C0266004, MONDO:0007866, OMIM 149200.
X-linked mixed hearing loss with perilymphatic gusher. Also called: Gusher syndrome; NANCE DEAFNESS; PERILYMPHATIC GUSHER-DEAFNESS SYNDROME; SENSORINEURAL DEAFNESS, PROFOUND, WITH OR WITHOUT A CONDUCTIVE COMPONENT, ASSOCIATED WITH A UNIQUE DEVELOPMENTAL ABNORMALITY OF THE EAR; Deafness, X-linked 2. Identifiers: Orphanet 383, MedGen C1844678, MONDO:0010576, OMIM 304400.
Mutilating keratoderma (VOWNKL). Also called: Keratoderma hereditarium mutilans. Identifiers: Orphanet 494, MedGen C0265964, MONDO:0007422, OMIM 124500.
Autosomal recessive nonsyndromic hearing loss 1A (DFNB1A). Also called: Connexin 26 deafness; Deafness nonsyndromic, Connexin 26 linked; GJB6-Related DFNB 1 Nonsyndromic Hearing Loss and Deafness; Deafness, autosomal recessive 1A; Nonsyndromic Hearing Loss and Deafness, DFNB1; GJB2-Related Autosomal Recessive Nonsyndromic Hearing Loss. Identifiers: Orphanet 90636, MedGen C2673759, MONDO:0009076, OMIM 220290.
Autosomal dominant keratitis-ichthyosis-hearing loss syndrome. Also called: Senter syndrome; KID SYNDROME, AUTOSOMAL DOMINANT; HID SYNDROME. Identifiers: Orphanet 477, MedGen C0265336, MONDO:0007850, OMIM 148210.
Autosomal dominant nonsyndromic hearing loss 3A. Identifiers: Orphanet 90635, MedGen C2675750, MONDO:0011103, OMIM 601544.

Allele frequency attached by ClinVar (database versions not stated): TOPMed 0.00003; ExAC 0.00001; gnomAD 0.00001; gnomAD exomes 0.00002.

Submissions (8):

Labcorp Genetics (formerly Invitae), Labcorp
Classification: Pathogenic. Last evaluated: 2026-01-24. Review status: criteria provided, single submitter. Criteria: Invitae Variant Classification Sherloc (09022015). Collection method: clinical testing. Allele origin: germline.
Comment: This sequence change replaces methionine, which is neutral and non-polar, with isoleucine, which is neutral and non-polar, at codon 93 of the GJB2 protein (p.Met93Ile). This variant is present in population databases (rs397516871, gnomAD 0.004%). This missense change has been observed in individuals with autosomal recessive deafness (PMID: 12172394, 14985372). ClinVar contains an entry for this variant (Variation ID: 44733). Invitae Evidence Modeling of protein sequence and biophysical properties (such as structural, functional, and spatial information, amino acid conservation, physicochemical variation, residue mobility, and thermodynamic stability) indicates that this missense variant is expected to disrupt GJB2 protein function with a positive predictive value of 95%. Experimental studies have shown that this missense change affects GJB2 function (PMID: 22592158). This variant disrupts the p.Met93 amino acid residue in GJB2. Other variant(s) that disrupt this residue have been determined to be pathogenic (internal data). This suggests that this residue is clinically significant, and that variants that disrupt this residue are likely to be disease-causing. For these reasons, this variant has been classified as Pathogenic.

Natera, Inc.
Classification: Likely pathogenic for Autosomal recessive deafness type 1A. Last evaluated: 2025-10-16. Review status: criteria provided, single submitter. Criteria: Natera Variant Classification Schema (03/2026). Collection method: clinical testing. Allele origin: germline.
Comment: The c.279G>A variant in GJB2 is a missense variant predicted to cause substitution of methionine to isoleucine at amino acid 93. This variant is rare in the general population with a frequency below the threshold expected for the associated phenotype(s). This variant has been observed in one or more individuals affected with the associated recessive disease, as either homozygous or compound heterozygous with a second variant (PMID: 25824904, 12172394, 14985372). Computational prediction algorithms indicate this variant is likely to affect gene or protein function. Given the available evidence, this variant is classified as Likely Pathogenic.

GeneDx
Classification: Likely pathogenic. Last evaluated: 2024-01-21. Review status: criteria provided, single submitter. Criteria: GeneDx Variant Classification Process June 2021. Collection method: clinical testing. Allele origin: germline. Affected: yes.
Comment: In silico analysis supports that this missense variant has a deleterious effect on protein structure/function; This variant is associated with the following publications: (PMID: 18776652, 16380907, 14985372, 25616557, 17666888, 20497192, 20668687, 12172394, 25388846, 22592158, 22695344, 30708180, 24156272, 15666300, 36478599, 30245029, 28483220, 25555641, 25447126)

Fulgent Genetics
Classification: Likely pathogenic for Mutilating keratoderma; Autosomal dominant keratitis-ichthyosis-hearing loss syndrome; Palmoplantar keratoderma-deafness syndrome; Knuckle pads, deafness AND leukonychia syndrome; Autosomal recessive nonsyndromic hearing loss 1A; X-linked mixed hearing loss with perilymphatic gusher; Autosomal dominant nonsyndromic hearing loss 3A. Last evaluated: 2022-05-17. Review status: criteria provided, single submitter. Criteria: ACMG Guidelines, 2015. Collection method: clinical testing. Allele origin: unknown.

Women's Health and Genetics/Laboratory Corporation of America, LabCorp
Classification: Likely pathogenic for Autosomal recessive nonsyndromic hearing loss 1A. Last evaluated: 2022-04-05. Review status: criteria provided, single submitter. Criteria: LabCorp Variant Classification Summary - May 2015. Collection method: clinical testing. Allele origin: germline.
Comment: Variant summary: GJB2 c.279G>A (p.Met93Ile) results in a conservative amino acid change located in the Connexin, N-terminal domain (IPR013092) of the encoded protein sequence. Three of five in-silico tools predict a damaging effect of the variant on protein function. The variant allele was found at a frequency of 1.6e-05 in 251190 control chromosomes. c.279G>A has been reported in the literature in individuals affected with Autosomal Recessive Non-Syndromic Hearing Loss (example, Wu_2002, Cryns_2004, Snoeckx_2005, Tsukada_2010). These data indicate that the variant is likely to be associated with disease. To our knowledge, no experimental evidence demonstrating an impact on protein function has been reported. Five clinical diagnostic laboratories have submitted clinical-significance assessments for this variant to ClinVar after 2014 without evidence for independent evaluation. All laboratories classified the variant as likely pathogenic. Based on the evidence outlined above, the variant was classified as likely pathogenic.

ARUP Laboratories, Molecular Genetics and Genomics, ARUP Laboratories
Classification: Likely pathogenic. Last evaluated: 2021-10-21. Review status: criteria provided, single submitter. Criteria: ARUP Molecular Germline Variant Investigation Process 2021. Collection method: clinical testing. Allele origin: germline.
Comment: The GJB2 c.279G>A; p.Met93Ile variant (rs397516871) is reported in the literature in multiple individuals affected with hearing loss often found with a second pathogenic variant (Cryns 2004, Naghavi 2008, Najmabadi 2005, Putcha 2007, Wu 2002). This variant is also reported in ClinVar (Variation ID: 44733). This variant is found in the non-Finnish European population with an allele frequency of 0.003% (3/113608 alleles) in the Genome Aggregation Database. The methionine at codon 93 is highly conserved, and computational analyses predict that this variant is deleterious (REVEL: 0.874). Based on available information, this variant is considered to be likely pathogenic. References: Cryns K et al. A genotype-phenotype correlation for GJB2 (connexin 26) deafness. J Med Genet. 2004 Mar;41(3):147-54. PMID: 14985372. Naghavi A et al. GJB2 mutations in Baluchi population. J Genet. 2008 Aug;87(2):195-7. PMID: 18776652. Najmabadi H et al. GJB2 mutations: passage through Iran. Am J Med Genet A. 2005 Mar 1;133A(2):132-7. PMID: 15666300. Putcha GV et al. A multicenter study of the frequency and distribution of GJB2 and GJB6 mutations in a large North American cohort. Genet Med. 2007 Jul;9(7):413-26. PMID: 17666888. Wu BL et al. Effectiveness of sequencing connexin 26 (GJB2) in cases of familial or sporadic childhood deafness referred for molecular diagnostic testing. Genet Med. 2002 Jul-Aug;4(4):279-88. PMID: 12172394.

Laboratory for Molecular Medicine, Mass General Brigham Personalized Medicine
Classification: Likely pathogenic for Rare genetic deafness. Last evaluated: 2017-06-06. Review status: criteria provided, single submitter. Criteria: LMM Criteria. Collection method: clinical testing. Allele origin: germline. Inheritance: Autosomal recessive inheritance. Observed: 2 variant alleles.
Comment: The p.Met93Ile variant in GJB2 has been reported in at least 8 individuals with hearing loss including four compound heterozygotes with pathogenic variants in t rans (Wu 2002, Cryns 2004, Najmabadi 2005, Snoeckx 2005, Putcha 2007, Naghavi 20 08, Rodriguez-Paris 2010, Tsukada 2010, LMM data). (Wu 2002, Cryns 2004, Tsukada 2010). The hearing loss described in these four individuals ranged from mild t o moderately-severe (Wu 2002, Cryns 2004, Tsukada 2010, LMM data). This variant has also been identified in 4/126570 European chromosomes by the Genome Aggregat ion Database (gnomAD; dbSNP rs397516871). Alth ough this variant has been seen in the general population, its frequency is low enough to be consistent with a recessive carrier frequency for nonsyndromic hear ing loss. Computational prediction tools and conservation analysis suggest that the variant may impact the protein, though this information is not predictive en ough to determine pathogenicity. In summary, although additional studies are req uired to fully establish its clinical significance, the p.Met93Ile variant is li kely pathogenic based on compound heterozygosity in multiple affected individual s.

Counsyl
Classification: Likely pathogenic for Autosomal recessive nonsyndromic hearing loss 1A. Last evaluated: 2017-07-17. Review status: no assertion criteria provided. Collection method: clinical testing. Allele origin: unknown. Not counted in ClinVar's aggregate classification.

Literature cited by the submitters: PubMed 12172394 (cited by 5 submitters); PubMed 14985372 (cited by 5 submitters); PubMed 22592158 (cited by 3 submitters); PubMed 25824904 (cited by Natera, Inc.); PubMed 16380907 (cited by Women's Health and Genetics/Laboratory Corporation of America, LabCorp and Laboratory for Molecular Medicine, Mass General Brigham Personalized Medicine); PubMed 20497192 (cited by 3 submitters); PubMed 18776652 (cited by Laboratory for Molecular Medicine, Mass General Brigham Personalized Medicine and Counsyl); PubMed 17666888 (cited by Laboratory for Molecular Medicine, Mass General Brigham Personalized Medicine); PubMed 20668687 (cited by Laboratory for Molecular Medicine, Mass General Brigham Personalized Medicine); PubMed 15666300 (cited by Laboratory for Molecular Medicine, Mass General Brigham Personalized Medicine); PubMed 26399936 (cited by Laboratory for Molecular Medicine, Mass General Brigham Personalized Medicine); PubMed 25388846 (cited by Laboratory for Molecular Medicine, Mass General Brigham Personalized Medicine); PubMed 25447126 (cited by Laboratory for Molecular Medicine, Mass General Brigham Personalized Medicine); PubMed 24156272 (cited by Laboratory for Molecular Medicine, Mass General Brigham Personalized Medicine).

NM_004004.6(GJB2):c.279G>A (p.Met93Ile)

Gene: GJB2 (gap junction protein beta 2; minus strand). Cytogenetic location: 13q12.11.
Variant type: single nucleotide variant.
Coding change: c.279G>A on transcript NM_004004.6 (MANE Select); coding-DNA position 279, G replaced by A.
Protein change: p.Met93Ile; replaces methionine 93 with isoleucine.
Molecular consequence: missense variant.
Genome position (GRCh38, 1-based): chr13:20,189,303, C>T on the plus strand (G>A on the coding strand, the complement: GJB2 is on the minus strand). VCF-style: chr13-20189303-C-T. GRCh37 (hg19) VCF-style: chr13-20763442-C-T.
Other names: short protein forms M93I.
Identifiers: ClinVar variation 44733 (VCV000044733.27), dbSNP rs397516871, ClinGen allele CA134957.
Genomic context (GRCh38, chr13:20,189,303, plus strand): 5'-ACTCTTTATCTCCCCCTTGATGAACTTCCTCTTCTTCTCATGTCTCCGGTAGGCCACGTG[C>T]ATGGCCACTAGGAGCGCTGGCGTGGACACGAAGATCAGCTGCAGGGCCCATAGCCGGATG-3'
Protein context (NP_003995.2, residues 83-103): FVSTPALLVA[Met93Ile]HVAYRRHEKK